The following is an entry in ClinVar:

NC_000004.11:g.(?_38765721)_(39478735_?)dup

Genes: FAM114A1 (family with sequence similarity 114 member A1; plus strand), KLB (klotho beta; plus strand), KLHL5 (kelch like family member 5; plus strand), LIAS (lipoic acid synthetase; plus strand), RFC1 (replication factor C subunit 1; minus strand) and 6 more. Cytogenetic location: 4p14.
Variant type: Duplication.
Identifiers: ClinVar variation 2427542 (VCV002427542.4).

ClinVar aggregate classification (germline): Uncertain significance (1 of 4 stars; one submission).

Submission:

Labcorp Genetics (formerly Invitae), Labcorp
Classification: Uncertain significance. Last evaluated: 2022-03-06. Review status: criteria provided, single submitter. Criteria: Invitae Variant Classification Sherloc (09022015). Collection method: clinical testing. Allele origin: germline.
Comment: A copy number gain of the genomic region encompassing the full coding sequence of the KLB gene has been identified. The boundaries of this event are unknown as they extend beyond the assayed region for this gene and therefore may encompass additional genes. As the precise location of this event is unknown, it may be in tandem or it may be located elsewhere in the genome. In summary, the available evidence is currently insufficient to determine the role of this variant in disease. Therefore, it has been classified as a Variant of Uncertain Significance. This variant has not been reported in the literature in individuals affected with KLB-related conditions.